The following is an entry in ClinVar:

NM_024537.4(CARS2):c.571+6G>T

Gene: CARS2 (cysteinyl-tRNA synthetase 2, mitochondrial; minus strand). Cytogenetic location: 13q34.
Variant type: single nucleotide variant.
Coding change: c.571+6G>T on transcript NM_024537.4 (MANE Select); 6 bases into the intron after coding-DNA position 571, G replaced by T.
Molecular consequence: intron variant.
Genome position (GRCh38, 1-based): chr13:110,687,715, C>A on the plus strand (G>T on the coding strand, the complement: CARS2 is on the minus strand). VCF-style: chr13-110687715-C-A. GRCh37 (hg19) VCF-style: chr13-111340062-C-A.
Other names: c.-429+6G>T (NM_001352252.2); c.571+6G>T (NM_001352253.3).
Identifiers: ClinVar variation 849565 (VCV000849565.6), dbSNP rs756061981, ClinGen allele CA7052200.

ClinVar aggregate classification (germline): Uncertain significance (1 of 4 stars; one submission).

Conditions:
Combined oxidative phosphorylation defect type 27. Also called: Combined oxidative phosphorylation deficiency 27. Identifiers: Orphanet 477774, MedGen C5567608, MONDO:0014728, OMIM 616672.

Allele frequency attached by ClinVar (database versions not stated): gnomAD 0.00003; TOPMed 0.00008; ExAC 0.00014.

Submission:

Labcorp Genetics (formerly Invitae), Labcorp
Classification: Uncertain significance for Combined oxidative phosphorylation defect type 27. Last evaluated: 2025-02-03. Review status: criteria provided, single submitter. Criteria: Invitae Variant Classification Sherloc (09022015). Collection method: clinical testing. Allele origin: germline.
Comment: This sequence change falls in intron 5 of the CARS2 gene. It does not directly change the encoded amino acid sequence of the CARS2 protein. It affects a nucleotide within the consensus splice site. The frequency data for this variant in the population databases is considered unreliable, as metrics indicate poor data quality at this position in the gnomAD database. This variant has not been reported in the literature in individuals affected with CARS2-related conditions. ClinVar contains an entry for this variant (Variation ID: 849565). Variants that disrupt the consensus splice site are a relatively common cause of aberrant splicing (PMID: 17576681, 9536098). Algorithms developed to predict the effect of sequence changes on RNA splicing suggest that this variant is not likely to affect RNA splicing. In summary, the available evidence is currently insufficient to determine the role of this variant in disease. Therefore, it has been classified as a Variant of Uncertain Significance.

Literature cited by the submitters: PubMed 17576681; PubMed 9536098.